The following is an entry in ClinVar:

ClinVar aggregate classification (germline): Uncertain significance. Review status: criteria provided, multiple submitters, no conflicts (2 of 4 stars). 2 submissions from 2 submitters: Uncertain significance (2). Last evaluated 2026-01-14.

Conditions:
Hereditary cancer-predisposing syndrome. Also called: Hereditary neoplastic syndrome; Tumor predisposition; Neoplastic Syndromes, Hereditary; Hereditary Cancer Syndrome. Identifiers: Orphanet 140162, MedGen C0027672, MeSH D009386, MONDO:0015356.
Juvenile polyposis syndrome (JPS). Identifiers: Orphanet 2929, MedGen C0345893, MONDO:0017380, OMIM 174900.

Submissions (2):

Ambry Genetics
Classification: Uncertain significance for Hereditary cancer-predisposing syndrome. Last evaluated: 2026-01-14. Review status: criteria provided, single submitter. Criteria: Ambry Variant Classification Scheme 2023. Collection method: clinical testing. Allele origin: germline.
Comment: The p.E276Q variant (also known as c.826G>C), located in coding exon 7 of the BMPR1A gene, results from a G to C substitution at nucleotide position 826. The glutamic acid at codon 276 is replaced by glutamine, an amino acid with highly similar properties. This amino acid position is conserved. In addition, this alteration is predicted to be deleterious by in silico analysis. Based on the available evidence, the clinical significance of this variant remains unclear.

All of Us Research Program, National Institutes of Health
Classification: Uncertain significance for Juvenile polyposis syndrome. Last evaluated: 2024-02-22. Review status: criteria provided, single submitter. Criteria: ACMG Guidelines, 2015. Collection method: clinical testing. Allele origin: germline. Inheritance: Autosomal dominant inheritance. Observed: 1 variant allele, 1 heterozygote.
Comment: This missense variant replaces glutamic acid with glutamine at codon 276 of the BMPR1A protein. Computational prediction suggests that this variant may have deleterious impact on protein structure and function (internally defined REVEL score threshold >= 0.7, PMID: 27666373). To our knowledge, functional studies have not been reported for this variant. This variant has not been reported in individuals affected with BMPR1A-related disorders in the literature. This variant has not been identified in the general population by the Genome Aggregation Database (gnomAD). The available evidence is insufficient to determine the role of this variant in disease conclusively. Therefore, this variant is classified as a Variant of Uncertain Significance.

This study involves interpretation of variants in research participants for the purpose of population health screening. Participant phenotype was not available at the time of variant classification. Additional details can be found in publication PMID: 35346344, PMCID: PMC8962531

NM_004329.3(BMPR1A):c.826G>C (p.Glu276Gln)

Gene: BMPR1A (bone morphogenetic protein receptor type 1A; plus strand). Cytogenetic location: 10q23.2.
Variant type: single nucleotide variant.
Coding change: c.826G>C on transcript NM_004329.3 (MANE Select); coding-DNA position 826, G replaced by C.
Protein change: p.Glu276Gln; replaces glutamic acid 276 with glutamine.
Molecular consequence: missense variant. On other transcripts: non-coding transcript variant (3).
Genome position (GRCh38, 1-based): chr10:86,917,284, G>C. VCF-style: chr10-86917284-G-C. GRCh37 (hg19) VCF-style: chr10-88677041-G-C.
Other names: c.826G>C, p.Glu276Gln (NM_001406579.1, NM_001406580.1, NM_001406581.1 and 19 more transcripts); c.820G>C, p.Glu274Gln (NM_001406583.1); c.742G>C, p.Glu248Gln (NM_001406584.1, NM_001406585.1, NM_001406586.1 and 2 more transcripts); c.484G>C, p.Glu162Gln (NM_001406589.1); c.901G>C, p.Glu301Gln (NM_001406559.1); c.874G>C, p.Glu292Gln (NM_001406560.1); short protein forms E162Q, E248Q, E274Q, E276Q, E292Q, E301Q.
Identifiers: ClinVar variation 3385994 (VCV003385994.2).